The following is an entry in ClinVar:

ClinVar aggregate classification (germline): Uncertain significance (1 of 4 stars; one submission).

Allele frequency attached by ClinVar (database versions not stated): gnomAD exomes below 0.00001; TOPMed below 0.00001.

Submission:

Ambry Genetics
Classification: Uncertain significance. Last evaluated: 2021-08-28. Review status: criteria provided, single submitter. Criteria: Ambry Variant Classification Scheme 2023. Collection method: clinical testing. Allele origin: germline.
Comment: The p.L1291R variant (also known as c.3872T>G), located in coding exon 16 of the POLQ gene, results from a T to G substitution at nucleotide position 3872. The leucine at codon 1291 is replaced by arginine, an amino acid with dissimilar properties. This amino acid position is conserved. In addition, this alteration is predicted to be tolerated by in silico analysis. Since supporting evidence is limited at this time, the clinical significance of this alteration remains unclear.

NM_199420.4(POLQ):c.3872T>G (p.Leu1291Arg)

Gene: POLQ (DNA polymerase theta; minus strand). Cytogenetic location: 3q13.33.
Variant type: single nucleotide variant.
Coding change: c.3872T>G on transcript NM_199420.4 (MANE Select); coding-DNA position 3872, T replaced by G.
Protein change: p.Leu1291Arg; replaces leucine 1291 with arginine.
Molecular consequence: missense variant.
Genome position (GRCh38, 1-based): chr3:121,489,059, A>C on the plus strand (T>G on the coding strand, the complement: POLQ is on the minus strand). VCF-style: chr3-121489059-A-C. GRCh37 (hg19) VCF-style: chr3-121207906-A-C.
Other names: short protein forms L1291R.
Identifiers: ClinVar variation 1735724 (VCV001735724.2), dbSNP rs1178462626, ClinGen allele CA354096794.